The following is an entry in ClinVar:

NM_198578.4(LRRK2):c.6316A>G (p.Met2106Val)

Gene: LRRK2 (leucine rich repeat kinase 2; plus strand). Cytogenetic location: 12q12.
Variant type: single nucleotide variant.
Coding change: c.6316A>G on transcript NM_198578.4 (MANE Select); coding-DNA position 6316, A replaced by G.
Protein change: p.Met2106Val; replaces methionine 2106 with valine.
Molecular consequence: missense variant.
Genome position (GRCh38, 1-based): chr12:40,348,444, A>G. VCF-style: chr12-40348444-A-G. GRCh37 (hg19) VCF-style: chr12-40742246-A-G.
Other names: short protein forms M2106V.
Identifiers: ClinVar variation 1752812 (VCV001752812.2), dbSNP rs765036338, ClinGen allele CA6514651.
Genomic context (GRCh38, chr12:40,348,444, plus strand): 5'-AGCATGATGTTTTTTAATGTTTTAGATCCAGTTAAAGAATATGGTTGTGCCCCATGGCCT[A>G]TGGTTGAGAAATTAATTAAACAGTGTTTGAAAGAAAATCCTCAAGAAAGGCCTACTTCTG-3'
Protein context (NP_940980.4, residues 2096-2116): VKEYGCAPWP[Met2106Val]VEKLIKQCLK

ClinVar aggregate classification (germline): Uncertain significance (1 of 4 stars; one submission).

Conditions:
Inborn genetic diseases. Identifiers: MedGen C0950123, MeSH D030342.

Allele frequency attached by ClinVar (database versions not stated): gnomAD exomes below 0.00001; ExAC 0.00001; gnomAD 0.00001; TOPMed 0.00001.
gnomAD v4.1: 5 of 1,612,558 alleles (0.00031%); highest among the groups gnomAD compares: East Asian, 0.0022%; no homozygotes.

Submission:

Ambry Genetics
Classification: Uncertain significance for Inborn genetic diseases. Last evaluated: 2023-12-30. Review status: criteria provided, single submitter. Criteria: Ambry Variant Classification Scheme 2023. Collection method: clinical testing. Allele origin: germline.
Comment: The p.M2106V variant (also known as c.6316A>G), located in coding exon 43 of the LRRK2 gene, results from an A to G substitution at nucleotide position 6316. The methionine at codon 2106 is replaced by valine, an amino acid with highly similar properties. This amino acid position is conserved. In addition, this alteration is predicted to be tolerated by in silico analysis. Since supporting evidence is limited at this time, the clinical significance of this alteration remains unclear.